The following is an entry in ClinVar:

ClinVar aggregate classification (germline): Likely benign (0 of 4 stars; one submission).

Conditions:
SQOR-related disorder. Also called: SQOR-related condition.

Allele frequency attached by ClinVar (database versions not stated): gnomAD 0.00160; TOPMed 0.00175; ExAC 0.00191; ESP Exome Variant Server 0.00216; gnomAD exomes 0.00267.
gnomAD v4.1: 4,123 of 1,614,220 alleles (0.26%); highest among the groups gnomAD compares: Middle Eastern, 0.51%; 6 homozygotes.

Submission:

PreventionGenetics, part of Exact Sciences
Classification: Likely benign for SQOR-related condition. Last evaluated: 2022-05-24. Review status: no assertion criteria provided. Collection method: clinical testing. Allele origin: germline.
Comment: This variant is classified as likely benign based on ACMG/AMP sequence variant interpretation guidelines (Richards et al. 2015 PMID: 25741868, with internal and published modifications).

NM_021199.4(SQOR):c.952G>A (p.Val318Met)

Gene: SQOR (sulfide quinone oxidoreductase; plus strand). Cytogenetic location: 15q21.1.
Variant type: single nucleotide variant.
Coding change: c.952G>A on transcript NM_021199.4 (MANE Select); coding-DNA position 952, G replaced by A.
Protein change: p.Val318Met; replaces valine 318 with methionine.
Molecular consequence: missense variant.
Genome position (GRCh38, 1-based): chr15:45,682,565, G>A. VCF-style: chr15-45682565-G-A. GRCh37 (hg19) VCF-style: chr15-45974763-G-A.
Other names: c.952G>A, p.Val318Met (NM_001271213.2); short protein forms V318M.
Identifiers: ClinVar variation 3034734 (VCV003034734.2), dbSNP rs140459079, ClinGen allele CA7544718.